The following is an entry in ClinVar:

ClinVar aggregate classification (germline): Uncertain significance. Review status: reviewed by expert panel (3 of 4 stars). 5 submissions from 5 submitters: Uncertain significance (1). 4 of the submissions do not count toward it. Last evaluated 2025-12-15.

Conditions:
Mucopolysaccharidosis type 1. Also called: IDUA deficiency; MPS I; Mucopolysaccharidosis Type I. Identifiers: Orphanet 579, MedGen C0023786, MONDO:0001586.
IDUA-related disorder. Also called: IDUA-related condition.

Allele frequency attached by ClinVar (database versions not stated): gnomAD 0.00002; ExAC 0.00008; ESP Exome Variant Server 0.00008; TOPMed 0.00003; gnomAD exomes 0.00007.

Submissions (5):

ClinGen Lysosomal Storage Disorder Variant Curation Expert Panel
Classification: Uncertain significance for Mucopolysaccharidosis type 1. Last evaluated: 2025-12-15. Review status: reviewed by expert panel. Criteria: ClinGen LSD ACMG Specifications IDUA V1.1.0. Collection method: curation. Allele origin: germline. Inheritance: Autosomal recessive inheritance.
Comment: The NM_000203.5:c.298A>G variant in IDUA is a missense variant predicted to cause substitution of arginine by glycine at amino acid 100 (p.Arg100Gly). The variant has been detected in at least 1 individual with MPS I. This individual is compound heterozygous for the variant and c.1898C>A p.(Ser633Ter), which has been classified as likely pathogenic by the by the ClinGen Lysosomal Diseases VCEP (PMID 35787971, phase unconfirmed, 0.5 points) (PM3_Supporting). The highest population minor allele frequency in gnomAD v4.1.0 is 0.00008 (93/1160218 alleles) in the Non-Finnish European population, which is lower than the ClinGen Lysosomal Diseases VCEP’s threshold for PM2_Supporting (<0.00025), meeting this criterion (PM2_Supporting). The computational predictor REVEL gives a score of 0.62 which is neither above nor below the thresholds predicting a damaging (>0.644) or benign (<0.29) impact on IDUA function. A functional study reported the relative specific activity (RSA) values for this variant was indistinguishable from the wild type enzyme, however the authors note that that this variant may affect splicing rather than having a missense associated effect on enzyme activity (PMID 39702574). The computational splicing predictor SpliceAI gives a score of 0.64 for donor loss, predicting that the variant disrupts the donor splice site of intron 2 of IDUA (PP3). There is a ClinVar entry for this variant (Variation ID: 2058952). In summary, this variant meets the criteria to be classified as a variant of uncertain significance for MPS I based on the IDUA-specific ACMG/AMP criteria applied, as specified by the ClinGen Lysosomal Diseases Variant Curation Expert Panel (Specifications Version 1.1.0): PP3, PM2_supporting, PM3_supporting (Classification approved by the ClinGen Lysosomal Diseases Variant Curation Expert Panel on December 15, 2025)

GeneDx
Classification: Uncertain significance. Last evaluated: 2026-03-29. Review status: criteria provided, single submitter. Criteria: GeneDx Variant Classification Process June 2021. Collection method: clinical testing. Allele origin: germline. Not counted in ClinVar's aggregate classification.
Comment: Reported in an individual with undetermined mucopolysaccharidosis type I (MPS I) who was also found to harbor two additional variants in trans in the IDUA gene (PMID: 28728811); In silico analysis suggests that this missense variant does not alter protein structure/function; In silico analysis supports a deleterious effect on splicing; Not observed at significant frequency in large population cohorts (gnomAD); This variant is associated with the following publications: (PMID: 39702574, 28728811)

Revvity Omics, Revvity
Classification: Uncertain significance. Last evaluated: 2024-12-29. Review status: criteria provided, single submitter. Criteria: ACMG Guidelines, 2015. Collection method: clinical testing. Allele origin: germline. Not counted in ClinVar's aggregate classification.

PreventionGenetics, part of Exact Sciences
Classification: Likely pathogenic for IDUA-related condition. Last evaluated: 2024-12-06. Review status: criteria provided, single submitter. Criteria: ACMG Guidelines, 2015. Collection method: clinical testing. Allele origin: germline. Not counted in ClinVar's aggregate classification.
Comment: The IDUA c.298A>G variant is predicted to result in the amino acid substitution p.Arg100Gly. This variant was reported in compound heterozygous state in an individual with severe form of Mucopolysaccharidosis I. (Zhang et al. 2022. PubMed ID: 35787971, Table 3). This variant is reported in 0.012% of alleles in individuals of European (Non-Finnish) descent in gnomAD. This variant is predicted to disrupt the GT donor splice site and interfere with normal splicing. Variants that disrupt the consensus splice site in IDUA are expected to be pathogenic. This variant is interpreted as likely pathogenic.

Labcorp Genetics (formerly Invitae), Labcorp
Classification: Uncertain significance for Mucopolysaccharidosis type 1. Last evaluated: 2021-11-02. Review status: criteria provided, single submitter. Criteria: Invitae Variant Classification Sherloc (09022015). Collection method: clinical testing. Allele origin: germline. Not counted in ClinVar's aggregate classification.
Comment: This sequence change replaces arginine, which is basic and polar, with glycine, which is neutral and non-polar, at codon 100 of the IDUA protein (p.Arg100Gly). This variant is present in population databases (rs201345740, gnomAD 0.01%). This missense change has been observed in individual(s) with clinical features of mucopolysaccharidosis type I (PMID: 28728811). Algorithms developed to predict the effect of missense changes on protein structure and function (SIFT, PolyPhen-2, Align-GVGD) all suggest that this variant is likely to be tolerated. Algorithms developed to predict the effect of sequence changes on RNA splicing suggest that this variant may disrupt the consensus splice site. In summary, the available evidence is currently insufficient to determine the role of this variant in disease. Therefore, it has been classified as a Variant of Uncertain Significance.

Literature cited by the submitters: PubMed 28728811 (cited by Labcorp Genetics (formerly Invitae), Labcorp).

NM_000203.5(IDUA):c.298A>G (p.Arg100Gly)

Genes: IDUA (alpha-L-iduronidase; plus strand), SLC26A1 (solute carrier family 26 member 1; minus strand). Cytogenetic location: 4p16.3.
Variant type: single nucleotide variant.
Coding change: c.298A>G on transcript NM_000203.5 (MANE Select); coding-DNA position 298, A replaced by G.
Protein change: p.Arg100Gly; replaces arginine 100 with glycine.
Molecular consequence: missense variant. On other transcripts: 3 prime UTR variant (2), non-coding transcript variant (1), intron variant (1).
Genome position (GRCh38, 1-based): chr4:987,948, A>G. VCF-style: chr4-987948-A-G. GRCh37 (hg19) VCF-style: chr4-981736-A-G.
Other names: NM_000203.5(IDUA):c.298A>G; p.Arg100Gly; c.298A>G (NM_000203.4, NM_000203.3); c.*885T>C (NM_022042.4, NM_213613.4); c.576+3180T>C (NM_134425.4); short protein forms R100G.
Identifiers: ClinVar variation 2058952 (VCV002058952.7), dbSNP rs201345740, ClinGen allele CA2801159.